The following is an entry in ClinVar:

ClinVar aggregate classification (germline): Uncertain significance (1 of 4 stars; one submission).

Conditions:
Neurofibromatosis, type 1 (NF1). Also called: NEUROFIBROMATOSIS, TYPE I, SOMATIC; Neurofibromatosis, type I; VON RECKLINGHAUSEN DISEASE; Peripheral type neurofibromatosis. Identifiers: Orphanet 636, MedGen C0027831, MONDO:0018975, OMIM 162200. Disease mechanism: loss of function.

Submission:

Labcorp Genetics (formerly Invitae), Labcorp
Classification: Uncertain significance for Neurofibromatosis, type 1. Last evaluated: 2024-09-19. Review status: criteria provided, single submitter. Criteria: Invitae Variant Classification Sherloc (09022015). Collection method: clinical testing. Allele origin: germline.
Comment: This sequence change replaces glycine, which is neutral and non-polar, with valine, which is neutral and non-polar, at codon 2795 of the NF1 protein (p.Gly2795Val). This variant is not present in population databases (gnomAD no frequency). This variant has not been reported in the literature in individuals affected with NF1-related conditions. Invitae Evidence Modeling of protein sequence and biophysical properties (such as structural, functional, and spatial information, amino acid conservation, physicochemical variation, residue mobility, and thermodynamic stability) indicates that this missense variant is expected to disrupt NF1 protein function with a positive predictive value of 80%. In summary, the available evidence is currently insufficient to determine the role of this variant in disease. Therefore, it has been classified as a Variant of Uncertain Significance.

NM_001042492.3(NF1):c.8447G>T (p.Gly2816Val)

Gene: NF1 (neurofibromin 1; plus strand). Cytogenetic location: 17q11.2.
Variant type: single nucleotide variant.
Coding change: c.8447G>T on transcript NM_001042492.3 (MANE Select); coding-DNA position 8447, G replaced by T.
Protein change: p.Gly2816Val; replaces glycine 2816 with valine.
Molecular consequence: missense variant.
Genome position (GRCh38, 1-based): chr17:31,374,082, G>T. VCF-style: chr17-31374082-G-T. GRCh37 (hg19) VCF-style: chr17-29701100-G-T.
Other names: c.8384G>T, p.Gly2795Val (NM_000267.4); short protein forms G2795V, G2816V.
Identifiers: ClinVar variation 3700447 (VCV003700447.2).